The following is an entry in ClinVar:

ClinVar aggregate classification (germline): Likely benign (1 of 4 stars; one submission).

Conditions:
ANO6-related disorder. Also called: ANO6-related condition.

gnomAD v4.1: 40 of 1,613,578 alleles (0.0025%); highest among the groups gnomAD compares: African/African-American, 0.0067%; no homozygotes.

Submission:

PreventionGenetics, part of Exact Sciences
Classification: Likely benign for ANO6-related condition. Last evaluated: 2026-01-11. Review status: criteria provided, single submitter. Criteria: ACMG Guidelines, 2015. Collection method: clinical testing. Allele origin: germline.
Comment: This variant is classified as likely benign based on ACMG/AMP sequence variant interpretation guidelines (Richards et al. 2015 PMID: 25741868, with internal and published modifications).

NM_001025356.3(ANO6):c.2571C>T (p.Pro857=)

Gene: ANO6 (anoctamin 6; plus strand). Cytogenetic location: 12q12.
Variant type: single nucleotide variant.
Coding change: c.2571C>T on transcript NM_001025356.3 (MANE Select); coding-DNA position 2571, C replaced by T.
Protein change: p.Pro857=; no amino-acid change (proline 857 retained).
Molecular consequence: synonymous variant. On other transcripts: intron variant (1).
Genome position (GRCh38, 1-based): chr12:45,429,149, C>T. VCF-style: chr12-45429149-C-T. GRCh37 (hg19) VCF-style: chr12-45822932-C-T.
Other names: c.2517C>T, p.Pro839= (NM_001142678.2); c.2634C>T, p.Pro878= (NM_001204803.2); c.2538C>T, p.Pro846= (NM_001410973.1); c.2526+6087C>T (NM_001142679.2).
Identifiers: ClinVar variation 4980489 (VCV004980489.1).